The following is an entry in ClinVar:

ClinVar aggregate classification (germline): Conflicting classifications of pathogenicity. Review status: criteria provided, conflicting classifications (1 of 4 stars). 2 submissions from 2 submitters: Uncertain significance (1); Likely benign (1). Last evaluated 2026-07-08.

Conditions:
Spondylodysplastic Ehlers-Danlos syndrome. Identifiers: Orphanet 536471, Orphanet 75496, MedGen C5680154, MONDO:0007526.

Allele frequency attached by ClinVar (database versions not stated): gnomAD 0.00004 and 0.00008; TOPMed 0.00004; gnomAD exomes 0.00021; ExAC 0.00023; 1000 Genomes Project 0.00080; 1000 Genomes Project 30x 0.00141.

Submissions (2):

GeneDx
Classification: Uncertain significance. Last evaluated: 2026-07-08. Review status: criteria provided, single submitter. Criteria: GeneDx Variant Classification Process June 2021. Collection method: clinical testing. Allele origin: germline.
Comment: In silico analysis supports that this missense variant has a deleterious effect on protein structure/function; Has not been previously published as pathogenic or benign to our knowledge

Labcorp Genetics (formerly Invitae), Labcorp
Classification: Likely benign for Spondylodysplastic Ehlers-Danlos syndrome. Last evaluated: 2025-11-10. Review status: criteria provided, single submitter. Criteria: Invitae Variant Classification Sherloc (09022015). Collection method: clinical testing. Allele origin: germline.

NM_007255.3(B4GALT7):c.676C>T (p.Arg226Cys)

Gene: B4GALT7 (beta-1,4-galactosyltransferase 7; plus strand). Cytogenetic location: 5q35.3.
Variant type: single nucleotide variant.
Coding change: c.676C>T on transcript NM_007255.3 (MANE Select); coding-DNA position 676, C replaced by T.
Protein change: p.Arg226Cys; replaces arginine 226 with cysteine.
Molecular consequence: missense variant.
Genome position (GRCh38, 1-based): chr5:177,608,575, C>T. VCF-style: chr5-177608575-C-T. GRCh37 (hg19) VCF-style: chr5-177035576-C-T.
Other names: short protein forms R226C.
Identifiers: ClinVar variation 748354 (VCV000748354.15), dbSNP rs201489289, ClinGen allele CA3586625.